The following is an entry in ClinVar:

ClinVar aggregate classification (germline): Conflicting classifications of pathogenicity. Review status: criteria provided, conflicting classifications (1 of 4 stars). 6 submissions from 6 submitters: Uncertain significance (5); Likely benign (1). Last evaluated 2025-12-01.

Conditions:
Loeys-Dietz syndrome 4 (LDS4). Also called: ANEURYSM, AORTIC AND CEREBRAL, WITH ARTERIAL TORTUOSITY AND SKELETAL MANIFESTATIONS; TGFB2-Related Loeys-Dietz Syndrome. Identifiers: MedGen C3553762, MONDO:0013897, OMIM 614816.
Familial thoracic aortic aneurysm and aortic dissection (TAAD). Also called: Thoracic aortic aneurysms and dissections. Identifiers: Orphanet 91387, MedGen C4707243, MONDO:0019625.

Allele frequency attached by ClinVar (database versions not stated): gnomAD 0.00001; ExAC 0.00002; gnomAD exomes 0.00002; TOPMed 0.00004; ESP Exome Variant Server 0.00008.
gnomAD v4.1: 34 of 1,611,422 alleles (0.0021%); highest among the groups gnomAD compares: Middle Eastern, 0.017%; no homozygotes.

Submissions (6):

Labcorp Genetics (formerly Invitae), Labcorp
Classification: Uncertain significance for Loeys-Dietz syndrome 4. Last evaluated: 2025-12-01. Review status: criteria provided, single submitter. Criteria: Invitae Variant Classification Sherloc (09022015). Collection method: clinical testing. Allele origin: germline.
Comment: This sequence change replaces threonine, which is neutral and polar, with isoleucine, which is neutral and non-polar, at codon 258 of the TGFB2 protein (p.Thr258Ile). This variant is present in population databases (rs373352179, gnomAD 0.01%). This variant has not been reported in the literature in individuals affected with TGFB2-related conditions. ClinVar contains an entry for this variant (Variation ID: 387428). Invitae Evidence Modeling of protein sequence and biophysical properties (such as structural, functional, and spatial information, amino acid conservation, physicochemical variation, residue mobility, and thermodynamic stability) indicates that this missense variant is not expected to disrupt TGFB2 protein function with a negative predictive value of 95%. In summary, the available evidence is currently insufficient to determine the role of this variant in disease. Therefore, it has been classified as a Variant of Uncertain Significance.

Ambry Genetics
Classification: Likely benign for Familial thoracic aortic aneurysm and aortic dissection. Last evaluated: 2023-10-25. Review status: criteria provided, single submitter. Criteria: Ambry Variant Classification Scheme 2023. Collection method: clinical testing. Allele origin: germline.

ARUP Laboratories, Molecular Genetics and Genomics, ARUP Laboratories
Classification: Uncertain significance for Loeys-Dietz syndrome 4. Last evaluated: 2023-09-28. Review status: criteria provided, single submitter. Criteria: ARUP Molecular Germline Variant Investigation Process 2024. Collection method: clinical testing. Allele origin: germline.
Comment: The TGFB2 c.773C>T; p.Thr258Ile variant (rs373352179), to our knowledge, is not reported in the medical literature but is reported in ClinVar (Variation ID: 387428). This variant is found in the general population with an overall allele frequency of 0.002% (6/248,706 alleles) in the Genome Aggregation Database. Computational analyses predict that this variant is neutral (REVEL: 0.063). However, given the lack of clinical and functional data, the significance of this variant is uncertain at this time.

GeneDx
Classification: Uncertain significance. Last evaluated: 2023-03-15. Review status: criteria provided, single submitter. Criteria: GeneDx Variant Classification Process June 2021. Collection method: clinical testing. Allele origin: germline. Affected: yes.
Comment: Has not been previously published as pathogenic or benign to our knowledge; In silico analysis supports that this missense variant does not alter protein structure/function

Fulgent Genetics
Classification: Uncertain significance for Loeys-Dietz syndrome 4. Last evaluated: 2021-10-18. Review status: criteria provided, single submitter. Criteria: ACMG Guidelines, 2015. Collection method: clinical testing. Allele origin: unknown.

Illumina Laboratory Services, Illumina
Classification: Uncertain significance for Loeys-Dietz syndrome 4. Last evaluated: 2017-04-27. Review status: criteria provided, single submitter. Criteria: ICSL Variant Classification Criteria 13 December 2019. Collection method: clinical testing. Allele origin: germline.

NM_003238.6(TGFB2):c.773C>T (p.Thr258Ile)

Gene: TGFB2 (transforming growth factor beta 2; plus strand). Cytogenetic location: 1q41.
Variant type: single nucleotide variant.
Coding change: c.773C>T on transcript NM_003238.6 (MANE Select); coding-DNA position 773, C replaced by T.
Protein change: p.Thr258Ile; replaces threonine 258 with isoleucine.
Molecular consequence: missense variant.
Genome position (GRCh38, 1-based): chr1:218,435,988, C>T. VCF-style: chr1-218435988-C-T. GRCh37 (hg19) VCF-style: chr1-218609330-C-T.
Other names: c.857C>T, p.Thr286Ile (NM_001135599.4); short protein forms T258I, T286I.
Identifiers: ClinVar variation 387428 (VCV000387428.20), dbSNP rs373352179, ClinGen allele CA1398609.